The following is an entry in ClinVar:

NM_019892.6(INPP5E):c.161C>G (p.Thr54Ser)

Gene: INPP5E (inositol polyphosphate-5-phosphatase E; minus strand). Cytogenetic location: 9q34.3.
Variant type: single nucleotide variant.
Coding change: c.161C>G on transcript NM_019892.6 (MANE Select); coding-DNA position 161, C replaced by G.
Protein change: p.Thr54Ser; replaces threonine 54 with serine.
Molecular consequence: missense variant.
Genome position (GRCh38, 1-based): chr9:136,439,259, G>C on the plus strand (C>G on the coding strand, the complement: INPP5E is on the minus strand). VCF-style: chr9-136439259-G-C. GRCh37 (hg19) VCF-style: chr9-139333711-G-C.
Other names: c.161C>G, p.Thr54Ser (NM_001318502.2); short protein forms T54S.
Identifiers: ClinVar variation 1056419 (VCV001056419.9), dbSNP rs1234082483, ClinGen allele CA375570953.

ClinVar aggregate classification (germline): Uncertain significance (1 of 4 stars; one submission).

Conditions:
Joubert syndrome. Also called: Familial aplasia of the vermis; CEREBELLOPARENCHYMAL DISORDER IV; JOUBERT-BOLTSHAUSER SYNDROME. Identifiers: Orphanet 475, MedGen C5979921, MONDO:0018772.

gnomAD v4.1: 1 of 1,501,844 alleles (0.000067%); highest among the groups gnomAD compares: Non-Finnish European, 0.000088%; no homozygotes.

Submission:

Labcorp Genetics (formerly Invitae), Labcorp
Classification: Uncertain significance for Joubert syndrome. Last evaluated: 2020-02-22. Review status: criteria provided, single submitter. Criteria: Invitae Variant Classification Sherloc (09022015). Collection method: clinical testing. Allele origin: germline.
Comment: This variant has not been reported in the literature in individuals with INPP5E-related conditions. This sequence change replaces threonine with serine at codon 54 of the INPP5E protein (p.Thr54Ser). The threonine residue is weakly conserved and there is a small physicochemical difference between threonine and serine. The frequency data for this variant in the population databases is considered unreliable, as metrics indicate insufficient coverage at this position in the ExAC database. Algorithms developed to predict the effect of missense changes on protein structure and function output the following: SIFT: "Tolerated"; PolyPhen-2: "Benign"; Align-GVGD: "Class C0". The serine amino acid residue is found in multiple mammalian species, suggesting that this missense change does not adversely affect protein function. These predictions have not been confirmed by published functional studies and their clinical significance is uncertain. Algorithms developed to predict the effect of sequence changes on RNA splicing suggest that this variant may create or strengthen a splice site, but this prediction has not been confirmed by published transcriptional studies. In summary, the available evidence is currently insufficient to determine the role of this variant in disease. Therefore, it has been classified as a Variant of Uncertain Significance.